The following is an entry in ClinVar:

NM_173543.3(DZIP1L):c.1560G>T (p.Ala520=)

Gene: DZIP1L (DAZ interacting zinc finger protein 1 like; minus strand). Cytogenetic location: 3q22.3.
Variant type: single nucleotide variant.
Coding change: c.1560G>T on transcript NM_173543.3 (MANE Select); coding-DNA position 1560, G replaced by T.
Protein change: p.Ala520=; no amino-acid change (alanine 520 retained).
Molecular consequence: synonymous variant.
Genome position (GRCh38, 1-based): chr3:138,071,698, C>A on the plus strand (G>T on the coding strand, the complement: DZIP1L is on the minus strand). VCF-style: chr3-138071698-C-A. GRCh37 (hg19) VCF-style: chr3-137790540-C-A.
Other names: c.1560G>T, p.Ala520= (NM_001170538.1).
Identifiers: ClinVar variation 3356550 (VCV003356550.1).

ClinVar aggregate classification (germline): Likely benign (0 of 4 stars; one submission).

Conditions:
DZIP1L-related disorder. Also called: DZIP1L-related condition.

gnomAD v4.1: 32 of 1,614,098 alleles (0.002%); highest among the groups gnomAD compares: Non-Finnish European, 0.0027%; no homozygotes.

Submission:

PreventionGenetics, part of Exact Sciences
Classification: Likely benign for DZIP1L-related condition. Last evaluated: 2024-07-16. Review status: no assertion criteria provided. Collection method: clinical testing. Allele origin: germline.
Comment: This variant is classified as likely benign based on ACMG/AMP sequence variant interpretation guidelines (Richards et al. 2015 PMID: 25741868, with internal and published modifications).